The following is an entry in ClinVar:

NM_004369.4(COL6A3):c.139T>C (p.Ser47Pro)

Gene: COL6A3 (collagen type VI alpha 3 chain; minus strand). Cytogenetic location: 2q37.3.
Variant type: single nucleotide variant.
Coding change: c.139T>C on transcript NM_004369.4 (MANE Select); coding-DNA position 139, T replaced by C.
Protein change: p.Ser47Pro; replaces serine 47 with proline.
Molecular consequence: missense variant. On other transcripts: intron variant (4).
Genome position (GRCh38, 1-based): chr2:237,395,157, A>G on the plus strand (T>C on the coding strand, the complement: COL6A3 is on the minus strand). VCF-style: chr2-237395157-A-G. GRCh37 (hg19) VCF-style: chr2-238303800-A-G.
Other names: c.91+1570T>C (NM_057166.5, NM_057167.4, NM_057164.5 and 1 more transcripts); short protein forms S47P.
Identifiers: ClinVar variation 4704287 (VCV004704287.1).

ClinVar aggregate classification (germline): Uncertain significance (1 of 4 stars; one submission).

Conditions:
Bethlem myopathy 1A. Also called: MYOPATHY, BENIGN CONGENITAL, WITH CONTRACTURES; Bethlem myopathy 1; Bethlem Muscular Dystrophy. Identifiers: Orphanet 610, MedGen CN029274, MONDO:0024530, OMIM 158810.

gnomAD v4.1: 1 of 1,613,922 alleles (0.000062%); highest among the groups gnomAD compares: Non-Finnish European, 0.000085%; no homozygotes.

Submission:

Labcorp Genetics (formerly Invitae), Labcorp
Classification: Uncertain significance for Bethlem myopathy 1A. Last evaluated: 2025-10-16. Review status: criteria provided, single submitter. Criteria: Invitae Variant Classification Sherloc (09022015). Collection method: clinical testing. Allele origin: germline.
Comment: This sequence change replaces serine, which is neutral and polar, with proline, which is neutral and non-polar, at codon 47 of the COL6A3 protein (p.Ser47Pro). This variant is present in population databases (rs751569819, gnomAD 0.0009%). This variant has not been reported in the literature in individuals affected with COL6A3-related conditions. Invitae Evidence Modeling of protein sequence and biophysical properties (such as structural, functional, and spatial information, amino acid conservation, physicochemical variation, residue mobility, and thermodynamic stability) indicates that this missense variant is not expected to disrupt COL6A3 protein function with a negative predictive value of 95%. In summary, the available evidence is currently insufficient to determine the role of this variant in disease. Therefore, it has been classified as a Variant of Uncertain Significance.